The following continues an entry in ClinVar:

NM_000435.3(NOTCH3):c.421C>T (p.Arg141Cys)

Gene: NOTCH3. ClinVar aggregate classification (germline): Pathogenic. Pathogenic (16).

Submissions 9 to 16 of 16:

Blueprint Genetics
Classification: Pathogenic for NOTCH3-related disorders. Last evaluated: 2024-02-09. Review status: criteria provided, single submitter. Criteria: ACMG Guidelines, 2015. Collection method: clinical testing. Allele origin: germline. Affected: yes. Observed: 3 variant alleles.

GeneDx
Classification: Pathogenic. Last evaluated: 2023-03-21. Review status: criteria provided, single submitter. Criteria: GeneDx Variant Classification Process June 2021. Collection method: clinical testing. Allele origin: germline. Affected: yes.
Comment: Published functional studies demonstrate a damaging effect on cell surface expression and protein trafficking (Karlstrom et al., 2002).; Not observed at significant frequency in large population cohorts (gnomAD); In silico analysis supports that this missense variant has a deleterious effect on protein structure/function; This variant is associated with the following publications: (PMID: 31680059, 32188464, 17390743, 11757773, 16580020, 21737310, 19576955, 12482954, 15981641, 17235124, 10227618, 10371548, 11102981, 16009764, 11755616, 15364702, 9388399, 15229130, 10712431, 31433517, 32277177, 36047879, 34741685)

Athena Diagnostics
Classification: Pathogenic. Last evaluated: 2022-12-20. Review status: criteria provided, single submitter. Criteria: Athena Diagnostics Criteria. Collection method: clinical testing. Allele origin: unknown.
Comment: This variant has been identified in multiple unrelated individuals with clinical features of CADASIL. This variant has not been reported in large, multi-ethnic general populations (Genome Aggregation Database (gnomAD), Cambridge, MA (URL)). This variant has been previously reported as c.499C>T. Assessment of experimental evidence suggests this variant results in abnormal protein function. (PMID: 12482954) This variant alters a critical location within the protein, and is expected to severely affect function and cause disease. Greater than 90% of NOTCH3 pathogenic variants associated with CADASIL involve the gain or loss of a cysteine residue within the epidermal growth factor (EGF)-like repeat domain (PMID: 32457593, 20301673).

CeGaT Center for Human Genetics Tuebingen
Classification: Pathogenic. Last evaluated: 2022-06-01. Review status: criteria provided, single submitter. Criteria: CeGaT Center For Human Genetics Tuebingen Variant Classification Criteria Version 2. Collection method: clinical testing. Allele origin: germline. Affected: yes. Observed: 3 variant alleles.
Comment: NOTCH3: PM1:Strong, PM2, PS4:Moderate, PP2, PP4

Clinical Genetics Laboratory, Skane University Hospital Lund
Classification: Pathogenic. Last evaluated: 2022-05-27. Review status: criteria provided, single submitter. Criteria: ACMG Guidelines, 2015. Collection method: clinical testing. Allele origin: germline. Affected: yes.

MGZ Medical Genetics Center
Classification: Pathogenic for Cerebral arteriopathy, autosomal dominant, with subcortical infarcts and leukoencephalopathy, type 1. Last evaluated: 2022-01-20. Review status: criteria provided, single submitter. Criteria: ACMG Guidelines, 2015. Collection method: clinical testing. Allele origin: germline. Affected: yes. Observed: 1 variant allele.
Comment: ACMG criteria applied: PS3, PS4, PM1, PM2_SUP, PP1, PP3

Fulgent Genetics
Classification: Pathogenic for Cerebral arteriopathy, autosomal dominant, with subcortical infarcts and leukoencephalopathy, type 1; Lateral meningocele syndrome; Myofibromatosis, infantile, 2. Last evaluated: 2021-07-27. Review status: criteria provided, single submitter. Criteria: ACMG Guidelines, 2015. Collection method: clinical testing. Allele origin: unknown.

Juno Genomics, Hangzhou Juno Genomics, Inc
Classification: Pathogenic for Cerebral arteriopathy, autosomal dominant, with subcortical infarcts and leukoencephalopathy, type 1; Lateral meningocele syndrome; Myofibromatosis, infantile, 2. Review status: criteria provided, single submitter. Criteria: ACMG Guidelines, 2015. Collection method: clinical testing. Allele origin: germline. Affected: yes.
Comment: Absent from controls (or at extremely low frequency if recessive) in Genome Aggregation Database, Exome Sequencing Project, 1000 Genomes Project, or Exome Aggregation Consortium.;The prevalence of the variant in affected individuals is significantly increased compared to the prevalence in controls.;Co-segregation with disease in multiple affected family members in a gene definitively known to cause the disease.;Well-established in vitro or in vivo functional studies supportive of a damaging effect on the gene or gene product.;Multiple lines of computational evidence support a deleterious effect on the gene or gene product (conservation, evolutionary, splicing impact, etc).

Literature cited by the submitters: PubMed 9388399 (cited by 5 submitters); PubMed 11757773 (cited by 4 submitters); PubMed 16580020 (cited by 3 submitters); PubMed 12482954 (cited by 4 submitters); PubMed 19576955 (cited by 3billion and Athena Diagnostics); PubMed 21737310 (cited by 3 submitters); PubMed 28479817 (cited by 3 submitters); PubMed 11755616 (cited by Mayo Clinic Laboratories, Mayo Clinic and Athena Diagnostics); PubMed 32277177 (cited by Mayo Clinic Laboratories, Mayo Clinic and Athena Diagnostics); PubMed 27350778 (cited by Athena Diagnostics); PubMed 28991717 (cited by Athena Diagnostics); PubMed 30956055 (cited by Athena Diagnostics); PubMed 30311053 (cited by Athena Diagnostics); PubMed 28710804 (cited by Athena Diagnostics); PubMed 32765252 (cited by Athena Diagnostics); PubMed 35754959 (cited by Athena Diagnostics); PubMed 17390743 (cited by Athena Diagnostics); PubMed 18948701 (cited by Athena Diagnostics).